The following is an entry in ClinVar:

NM_005219.5(DIAPH1):c.3655dup (p.Arg1219fs)

Gene: DIAPH1 (diaphanous related formin 1; minus strand). Cytogenetic location: 5q31.3.
Variant type: Duplication.
Coding change: c.3655dup on transcript NM_005219.5 (MANE Select); coding-DNA position 3655, one base duplicated (C; older notation c.3655dupC).
Protein change: p.Arg1219fs; shifts the reading frame from arginine 1219.
Molecular consequence: frameshift variant.
Genome position (GRCh38, 1-based): chr5:141,524,149, G duplicated on the plus strand (C on the coding strand, the reverse complement: DIAPH1 is on the minus strand); the first of 4 consecutive G bases (chr5:141,524,149-141,524,152); duplicating any one gives the same sequence. VCF-style (leftmost placement, unchanged base first): chr5-141524148-C-CG. GRCh37 (hg19) VCF-style: chr5-140903715-C-CG.
Other names: c.3628dup, p.Arg1210fs (NM_001079812.3); c.3655dup, p.Arg1219fs (NM_001314007.2); short protein forms R1219fs, R1210fs.
Identifiers: ClinVar variation 2025733 (VCV002025733.4), dbSNP rs2513612897, ClinGen allele CA2580072988.

ClinVar aggregate classification (germline): Uncertain significance (1 of 4 stars; one submission).

Conditions:
Progressive microcephaly-seizures-cortical blindness-developmental delay syndrome. Also called: Seizures, cortical blindness, and microcephaly syndrome. Identifiers: Orphanet 477814, MedGen C5567650, MONDO:0014714, OMIM 616632.
Autosomal dominant nonsyndromic hearing loss 1. Also called: DEAFNESS, AUTOSOMAL DOMINANT 1, WITH OR WITHOUT THROMBOCYTOPENIA; KONIGSMARK SYNDROME. Identifiers: Orphanet 90635, MedGen C1852282, MONDO:0007424, OMIM 124900.

Submission:

Labcorp Genetics (formerly Invitae), Labcorp
Classification: Uncertain significance for Progressive microcephaly-seizures-cortical blindness-developmental delay syndrome; Autosomal dominant nonsyndromic hearing loss 1. Last evaluated: 2024-12-08. Review status: criteria provided, single submitter. Criteria: Invitae Variant Classification Sherloc (09022015). Collection method: clinical testing. Allele origin: germline.
Comment: This sequence change creates a premature translational stop signal (p.Arg1219Profs*23) in the DIAPH1 gene. While this is not anticipated to result in nonsense mediated decay, it is expected to disrupt the last 54 amino acid(s) of the DIAPH1 protein. This variant is not present in population databases (gnomAD no frequency). This variant has not been reported in the literature in individuals affected with DIAPH1-related conditions. ClinVar contains an entry for this variant (Variation ID: 2025733). Experimental studies and prediction algorithms are not available or were not evaluated, and the functional significance of this variant is currently unknown. In summary, the available evidence is currently insufficient to determine the role of this variant in disease. Therefore, it has been classified as a Variant of Uncertain Significance.